The following is an entry in ClinVar:

NM_000384.3(APOB):c.262T>C (p.Cys88Arg)

Gene: APOB (apolipoprotein B; minus strand). Cytogenetic location: 2p24.1.
Variant type: single nucleotide variant.
Coding change: c.262T>C on transcript NM_000384.3 (MANE Select); coding-DNA position 262, T replaced by C.
Protein change: p.Cys88Arg; replaces cysteine 88 with arginine.
Molecular consequence: missense variant.
Genome position (GRCh38, 1-based): chr2:21,041,059, A>G on the plus strand (T>C on the coding strand, the complement: APOB is on the minus strand). VCF-style: chr2-21041059-A-G. GRCh37 (hg19) VCF-style: chr2-21263931-A-G.
Other names: short protein forms C88R.
Identifiers: ClinVar variation 2926965 (VCV002926965.4), dbSNP rs751831504, ClinGen allele CA056938.

ClinVar aggregate classification (germline): Conflicting classifications of pathogenicity. Review status: criteria provided, conflicting classifications (1 of 4 stars). 2 submissions from 2 submitters: Uncertain significance (1); Likely benign (1). Last evaluated 2026-10-13.

Conditions:
Hypercholesterolemia, autosomal dominant, type B (FHCL2). Also called: Hyperlipoproteinemia Type IIb; Familial Hypercholesterolemia Type B; Familial hypercholesterolemia 2; APOLIPOPROTEIN B-100, FAMILIAL DEFECTIVE; APOLIPOPROTEIN B-100, FAMILIAL LIGAND-DEFECTIVE; HYPERCHOLESTEROLEMIA, FAMILIAL, DUE TO LIGAND-DEFECTIVE APOLIPOPROTEIN B. Identifiers: MedGen C1704417, MONDO:0007751, OMIM 144010.
Familial hypobetalipoproteinemia 1. Also called: APOB-Related Familial Hypobetalipoproteinemia; Hypobetalipoproteinemia, normotriglyceridemic; Acanthocytosis with hypobetalipoproteinemia. Identifiers: MedGen C4551990, MONDO:0014252, OMIM 615558.
Familial hypercholesterolemia. Also called: Familial hypercholesterolemias; Familial hypercholesterolaemia. Identifiers: MedGen C0020445, MONDO:0005439.

Allele frequency attached by ClinVar (database versions not stated): gnomAD exomes below 0.00001; ExAC 0.00001.
gnomAD v4.1: 4 of 1,612,656 alleles (0.00025%); highest among the groups gnomAD compares: South Asian, 0.0044%; no homozygotes.

Submissions (2):

Cambridge Genomics Laboratory, East Genomic Laboratory Hub, NHS Genomic Medicine Service
Classification: Uncertain significance for Familial hypercholesterolaemia. Last evaluated: 2026-10-13. Review status: criteria provided, single submitter. Criteria: ACGS Best Practice Guidelines for Variant Classification in Rare Disease 2020. Collection method: clinical testing. Allele origin: germline. Affected: yes.
Comment: PM2_Supporting,PP4

Labcorp Genetics (formerly Invitae), Labcorp
Classification: Likely benign for Familial hypobetalipoproteinemia 1; Hypercholesterolemia, autosomal dominant, type B. Last evaluated: 2025-06-20. Review status: criteria provided, single submitter. Criteria: Invitae Variant Classification Sherloc (09022015). Collection method: clinical testing. Allele origin: germline.